The following is an entry in ClinVar:

NM_001042492.3(NF1):c.4083del (p.Arg1362fs)

Gene: NF1 (neurofibromin 1; plus strand). Cytogenetic location: 17q11.2.
Variant type: Deletion.
Coding change: c.4083del on transcript NM_001042492.3 (MANE Select); coding-DNA position 4083, one base deleted (T; older notation c.4083delT).
Protein change: p.Arg1362fs; shifts the reading frame from arginine 1362.
Molecular consequence: frameshift variant.
Genome position (GRCh38, 1-based): chr17:31,249,092, T deleted; the last of 2 consecutive T bases (chr17:31,249,091-31,249,092); deleting either gives the same sequence. VCF-style (leftmost placement, unchanged base first): chr17-31249090-CT-C. GRCh37 (hg19) VCF-style: chr17-29576108-CT-C.
Other names: c.4083delT, p.Arg1362Glufs (NM_000267.4); short protein forms R1362fs.
Identifiers: ClinVar variation 2127126 (VCV002127126.4), dbSNP rs2508352498, ClinGen allele CA2580092866.

ClinVar aggregate classification (germline): Pathogenic (1 of 4 stars; one submission).

Conditions:
Neurofibromatosis, type 1 (NF1). Also called: Peripheral type neurofibromatosis; NEUROFIBROMATOSIS, TYPE I, SOMATIC; Neurofibromatosis, type I; VON RECKLINGHAUSEN DISEASE. Identifiers: Orphanet 636, MedGen C0027831, MONDO:0018975, OMIM 162200. Disease mechanism: loss of function.

Submission:

Labcorp Genetics (formerly Invitae), Labcorp
Classification: Pathogenic for Neurofibromatosis, type 1. Last evaluated: 2025-09-14. Review status: criteria provided, single submitter. Criteria: Invitae Variant Classification Sherloc (09022015). Collection method: clinical testing. Allele origin: germline.
Comment: This sequence change creates a premature translational stop signal (p.Arg1362Glufs*23) in the NF1 gene. It is expected to result in an absent or disrupted protein product. Loss-of-function variants in NF1 are known to be pathogenic (PMID: 10712197, 23913538). This variant is not present in population databases (gnomAD no frequency). This variant has not been reported in the literature in individuals affected with NF1-related conditions. ClinVar contains an entry for this variant (Variation ID: 2127126). For these reasons, this variant has been classified as Pathogenic.

Literature cited by the submitters: PubMed 10712197; PubMed 23913538.